The following is an entry in ClinVar:

ClinVar aggregate classification (germline): Uncertain significance (1 of 4 stars; one submission).

Submission:

CeGaT Center for Human Genetics Tuebingen
Classification: Uncertain significance. Last evaluated: 2023-07-01. Review status: criteria provided, single submitter. Criteria: CeGaT Center For Human Genetics Tuebingen Variant Classification Criteria Version 2. Collection method: clinical testing. Allele origin: germline. Affected: yes. Observed: 1 variant allele.
Comment: STAT3: PM2, PP2

NM_139276.3(STAT3):c.393C>A (p.His131Gln)

Gene: STAT3 (signal transducer and activator of transcription 3; minus strand). Cytogenetic location: 17q21.2.
Variant type: single nucleotide variant.
Coding change: c.393C>A on transcript NM_139276.3 (MANE Select); coding-DNA position 393, C replaced by A.
Protein change: p.His131Gln; replaces histidine 131 with glutamine.
Molecular consequence: missense variant. On other transcripts: intron variant (1).
Genome position (GRCh38, 1-based): chr17:42,339,389, G>T on the plus strand (C>A on the coding strand, the complement: STAT3 is on the minus strand). VCF-style: chr17-42339389-G-T. GRCh37 (hg19) VCF-style: chr17-40491407-G-T.
Other names: c.393C>A, p.His131Gln (NM_001369512.1, NM_001369513.1, NM_001369514.1 and 15 more transcripts); c.315C>A, p.His105Gln (NM_001384985.1); c.373-577C>A (NM_001384989.1); short protein forms H105Q, H131Q.
Identifiers: ClinVar variation 2578788 (VCV002578788.25), dbSNP rs1490665182, ClinGen allele CA399595202.
Genomic context (GRCh38, chr17:42,339,389, plus strand): 5'-GACATCCTGAAGGTGCTGCTCCAGCATCTGCTGCTTCTCCGTCACCACGGCTGCTGTGGG[G>T]TGGTTGGCCTGGCCCCCTTGCTGCCAAAAAGGAGGTCAATGCACATGTGAACACAGAACT-3'
Protein context (NP_644805.1, residues 121-141): TAAQQGGQAN[His131Gln]PTAAVVTEKQ